The following is an entry in ClinVar:

ClinVar aggregate classification (germline): Likely pathogenic. Review status: criteria provided, single submitter (1 of 4 stars). 2 submissions from 2 submitters: Likely pathogenic (1). 1 of the submissions does not count toward it. Last evaluated 2025-09-02.

Conditions:
3-methylcrotonyl-CoA carboxylase 1 deficiency (MCC1D). Also called: MCCD TYPE 1; METHYLCROTONYLGLYCINURIA TYPE I; MCC 1 deficiency; 3 Alpha methylcrotonylglycinuria 1. Identifiers: Orphanet 6, MedGen CN028786, MONDO:0008861, OMIM 210200.

Submissions (2):

Natera, Inc.
Classification: Likely pathogenic for 3-methylcrotonyl-CoA carboxylase 1 deficiency. Last evaluated: 2025-09-02. Review status: criteria provided, single submitter. Criteria: Natera Variant Classification Schema (03/2026). Collection method: clinical testing. Allele origin: germline.
Comment: The c.1604C>T variant in MCCC1 is a missense variant predicted to cause substitution of serine to phenylalanine at amino acid 535. This variant is rare in the general population with a frequency below the threshold expected for the associated phenotype(s). This variant has been observed in one or more individuals affected with the associated recessive disease, as either homozygous or compound heterozygous with a second variant (PMID: 16835865). This variant has been identified in one or more affected individual with a phenotype highly consistent with the associated gene (PMID: 16835865). Computational prediction algorithms indicate this variant is likely to affect gene or protein function. Given the available evidence, this variant is classified as Likely Pathogenic.

OMIM
Classification: Pathogenic for 3-METHYLCROTONYL-CoA CARBOXYLASE 1 DEFICIENCY. Last evaluated: 2001-06-01. Review status: no assertion criteria provided. Collection method: literature only. Allele origin: germline. Not counted in ClinVar's aggregate classification.

Literature cited by the submitters: PubMed 16835865 (cited by Natera, Inc.); PubMed 11406611 (cited by OMIM).

NM_020166.5(MCCC1):c.1604C>T (p.Ser535Phe)

Gene: MCCC1 (methylcrotonyl-CoA carboxylase subunit 1; minus strand). Cytogenetic location: 3q27.1.
Variant type: single nucleotide variant.
Coding change: c.1604C>T on transcript NM_020166.5 (MANE Select); coding-DNA position 1604, C replaced by T.
Protein change: p.Ser535Phe; replaces serine 535 with phenylalanine.
Molecular consequence: missense variant. On other transcripts: non-coding transcript variant (2).
Genome position (GRCh38, 1-based): chr3:183,034,068, G>A on the plus strand (C>T on the coding strand, the complement: MCCC1 is on the minus strand). VCF-style: chr3-183034068-G-A. GRCh37 (hg19) VCF-style: chr3-182751856-G-A.
Other names: c.1253C>T, p.Ser418Phe (NM_001293273.2); c.1277C>T, p.Ser426Phe (NM_001363880.1); c.1604C>T (NM_020166.4); short protein forms S535F, S426F, S418F.
Identifiers: ClinVar variation 1933 (VCV000001933.2), dbSNP rs119103216, ClinGen allele CA251978.